The following is an entry in ClinVar:

NC_000012.12:g.121626861C>T

Genes: ORAI1 (ORAI calcium release-activated calcium modulator 1; plus strand), LOC130008987 (ATAC-STARR-seq lymphoblastoid silent region 4981; plus strand). Cytogenetic location: 12q24.31.
Variant type: single nucleotide variant.
Genome position: GRCh38 VCF-style: chr12-121626861-C-T. GRCh37 (hg19) VCF-style: chr12-122064766-C-T.
Other names: c.119C>T, p.Pro40Leu (NM_032790.4); short protein forms P40L.
Identifiers: ClinVar variation 1498025 (VCV001498025.6), dbSNP rs1555322519, ClinGen allele CA386980600.
Genomic context (GRCh38, chr12:121,626,861, plus strand): 5'-GCGGCAGCACCACCAGCGGCAGCCGCCGGAGCCGCCGCCGCAGCGGGGACGGGGAGCCCC[C>T]GGGGGCCCCGCCCCGCCACCGCCGCCGTCCGCCGTCACCTACCCGGACTGGATCGGCCAG-3'

ClinVar aggregate classification (germline): Uncertain significance (1 of 4 stars; one submission).

Conditions:
Myopathy, tubular aggregate, 2 (TAM2). Identifiers: MedGen C4014557, MONDO:0014383, OMIM 615883.
Combined immunodeficiency due to ORAI1 deficiency. Also called: IMMUNODEFICIENCY 9. Identifiers: Orphanet 169090, Orphanet 317428, MedGen C2748568, MONDO:0013007, OMIM 612782.

Allele frequency attached by ClinVar (database versions not stated): gnomAD exomes 0.00001 and 0.00003.

Submission:

Labcorp Genetics (formerly Invitae), Labcorp
Classification: Uncertain significance for Myopathy, tubular aggregate, 2; Combined immunodeficiency due to ORAI1 deficiency. Last evaluated: 2023-06-14. Review status: criteria provided, single submitter. Criteria: Invitae Variant Classification Sherloc (09022015). Collection method: clinical testing. Allele origin: germline.
Comment: This sequence change replaces proline, which is neutral and non-polar, with leucine, which is neutral and non-polar, at codon 40 of the ORAI1 protein (p.Pro40Leu). This variant is present in population databases (no rsID available, gnomAD 0.01%). In summary, the available evidence is currently insufficient to determine the role of this variant in disease. Therefore, it has been classified as a Variant of Uncertain Significance. Experimental studies and prediction algorithms are not available or were not evaluated, and the functional significance of this variant is currently unknown. ClinVar contains an entry for this variant (Variation ID: 1498025). This variant has not been reported in the literature in individuals affected with ORAI1-related conditions.